The following is an entry in ClinVar:

NM_001378120.1(MBD5):c.2519-18T>G

Gene: MBD5 (methyl-CpG binding domain protein 5; plus strand). Cytogenetic location: 2q23.1.
Variant type: single nucleotide variant.
Coding change: c.2519-18T>G on transcript NM_001378120.1 (MANE Select); 18 bases into the intron before coding-DNA position 2519, T replaced by G.
Molecular consequence: intron variant.
Genome position (GRCh38, 1-based): chr2:148,483,092, T>G. VCF-style: chr2-148483092-T-G. GRCh37 (hg19) VCF-style: chr2-149240661-T-G.
Other names: c.2519-18T>G (NM_018328.5).
Identifiers: ClinVar variation 138176 (VCV000138176.11), dbSNP rs555177897, ClinGen allele CA292023.

ClinVar aggregate classification (germline): Benign. Review status: criteria provided, multiple submitters, no conflicts (2 of 4 stars). 3 submissions from 3 submitters: Benign (3). Last evaluated 2026-02-02.

Conditions:
Intellectual developmental disorder, autosomal dominant 1. Also called: Intellectual disability, autosomal dominant 1; MBD5 Haploinsufficiency. Identifiers: Orphanet 228402, MedGen C1969562, MONDO:0007974, OMIM 156200.

Allele frequency attached by ClinVar (database versions not stated): 1000 Genomes Project 0.00060; 1000 Genomes Project 30x 0.00187; ExAC 0.00493; gnomAD exomes 0.00515; gnomAD 0.00572 and 0.00625.
gnomAD v4.1: 13,838 of 1,604,372 alleles (0.86%); highest among the groups gnomAD compares: Non-Finnish European, 1.1%; 70 homozygotes.

Submissions (4):

Labcorp Genetics (formerly Invitae), Labcorp
Classification: Benign for Intellectual developmental disorder, autosomal dominant 1. Last evaluated: 2026-02-02. Review status: criteria provided, single submitter. Criteria: Invitae Variant Classification Sherloc (09022015). Collection method: clinical testing. Allele origin: germline.

GeneDx
Classification: Benign. Last evaluated: 2013-12-04. Review status: criteria provided, single submitter. Criteria: GeneDx Variant Classification (06012015). Collection method: clinical testing. Allele origin: germline. Affected: yes.
Comment: This variant is considered likely benign or benign based on one or more of the following criteria: it is a conservative change, it occurs at a poorly conserved position in the protein, it is predicted to be benign by multiple in silico algorithms, and/or has population frequency not consistent with disease.

Breakthrough Genomics
Classification: Benign. Review status: criteria provided, single submitter. Criteria: ACMG Guidelines, 2015. Collection method: not provided. Allele origin: germline. Inheritance: Autosomal dominant inheritance. Affected: yes.

Dr. Peter K. Rogan Lab, Western University
No classification provided (evidence only). Condition: Malignant tumor of esophagus. Review status: no classification provided. Collection method: in vitro. Allele origin: not applicable. Functional consequence: retained intron. Not counted in ClinVar's aggregate classification.